The following is an entry in ClinVar:

NM_001845.6(COL4A1):c.234+9G>A

Gene: COL4A1 (collagen type IV alpha 1 chain; minus strand). Cytogenetic location: 13q34.
Variant type: single nucleotide variant.
Coding change: c.234+9G>A on transcript NM_001845.6 (MANE Select); 9 bases into the intron after coding-DNA position 234, G replaced by A.
Molecular consequence: intron variant.
Genome position (GRCh38, 1-based): chr13:110,213,917, C>T on the plus strand (G>A on the coding strand, the complement: COL4A1 is on the minus strand). VCF-style: chr13-110213917-C-T. GRCh37 (hg19) VCF-style: chr13-110866264-C-T.
Other names: c.234+9G>A (NM_001845.5, NM_001303110.2).
Identifiers: ClinVar variation 882373 (VCV000882373.15), dbSNP rs374115295, ClinGen allele CA256246008.

ClinVar aggregate classification (germline): Conflicting classifications of pathogenicity. Review status: criteria provided, conflicting classifications (1 of 4 stars). 4 submissions from 3 submitters: Uncertain significance (2); Likely benign (2). Last evaluated 2025-12-15.

Conditions:
Autosomal dominant familial hematuria-retinal arteriolar tortuosity-contractures syndrome. Also called: Hereditary Angiopathy with Nephropathy, Aneurysms, and Muscle Cramps (HANAC) Syndrome; Angiopathy, hereditary, with nephropathy, aneurysms, and muscle cramps. Identifiers: Orphanet 73229, MedGen C2673195, MONDO:0012726, OMIM 611773.
Brain small vessel disease 1 with or without ocular anomalies (BSVD1). Also called: GOULD SYNDROME 1; Brain small vessel disease with or without ocular anomalies; BRAIN SMALL VESSEL DISEASE WITH HEMORRHAGE; PORENCEPHALY, TYPE 1, AUTOSOMAL DOMINANT. Identifiers: Orphanet 2940, Orphanet 36383, Orphanet 99810, MedGen C4755307, MONDO:0008289, OMIM 175780.
COL4A1-related disorder. Also called: COL4A1-related condition; COL4A1-related disorders. Identifiers: MedGen CN376119, MONDO:0800461.

Allele frequency attached by ClinVar (database versions not stated): gnomAD 0.00005; TOPMed 0.00006; ESP Exome Variant Server 0.00008.
gnomAD v4.1: 29 of 1,613,882 alleles (0.0018%); highest among the groups gnomAD compares: Non-Finnish European, 0.0023%; no homozygotes.

Submissions (4):

Labcorp Genetics (formerly Invitae), Labcorp
Classification: Likely benign. Last evaluated: 2025-12-15. Review status: criteria provided, single submitter. Criteria: Invitae Variant Classification Sherloc (09022015). Collection method: clinical testing. Allele origin: germline.

PreventionGenetics, part of Exact Sciences
Classification: Likely benign for COL4A1-related condition. Last evaluated: 2025-06-04. Review status: criteria provided, single submitter. Criteria: ACMG Guidelines, 2015. Collection method: clinical testing. Allele origin: germline.
Comment: This variant is classified as likely benign based on ACMG/AMP sequence variant interpretation guidelines (Richards et al. 2015 PMID: 25741868, with internal and published modifications).

Illumina Laboratory Services, Illumina
Classification: Uncertain significance for Brain small vessel disease 1 with or without ocular anomalies. Last evaluated: 2018-01-12. Review status: criteria provided, single submitter. Criteria: ICSL Variant Classification Criteria 13 December 2019. Collection method: clinical testing. Allele origin: germline.

Illumina Laboratory Services, Illumina
Classification: Uncertain significance for Autosomal dominant familial hematuria-retinal arteriolar tortuosity-contractures syndrome. Last evaluated: 2018-01-12. Review status: criteria provided, single submitter. Criteria: ICSL Variant Classification Criteria 13 December 2019. Collection method: clinical testing. Allele origin: germline.